The following is an entry in ClinVar:

ClinVar aggregate classification (germline): Uncertain significance (0 of 4 stars; one submission).

Conditions:
KMT5B-related disorder. Also called: KMT5B-related condition.

gnomAD v4.1: 1 of 1,605,222 alleles (0.000062%); no homozygotes.

Submission:

PreventionGenetics, part of Exact Sciences
Classification: Uncertain significance for KMT5B-related condition. Last evaluated: 2023-10-23. Review status: no assertion criteria provided. Collection method: clinical testing. Allele origin: germline.
Comment: The KMT5B c.979C>T variant is predicted to result in the amino acid substitution p.Arg327Trp. To our knowledge, this variant has not been reported in the literature. This variant is reported in 0.00096% of alleles in individuals of European (Non-Finnish) descent in gnomAD. At this time, the clinical significance of this variant is uncertain due to the absence of conclusive functional and genetic evidence.

NM_017635.5(KMT5B):c.979C>T (p.Arg327Trp)

Gene: KMT5B (lysine methyltransferase 5B; minus strand). Cytogenetic location: 11q13.2.
Variant type: single nucleotide variant.
Coding change: c.979C>T on transcript NM_017635.5 (MANE Select); coding-DNA position 979, C replaced by T.
Protein change: p.Arg327Trp; replaces arginine 327 with tryptophan.
Molecular consequence: missense variant. On other transcripts: non-coding transcript variant (3).
Genome position (GRCh38, 1-based): chr11:68,167,177, G>A on the plus strand (C>T on the coding strand, the complement: KMT5B is on the minus strand). VCF-style: chr11-68167177-G-A. GRCh37 (hg19) VCF-style: chr11-67934644-G-A.
Other names: c.463C>T, p.Arg155Trp (NM_001300907.1, NM_001369424.1, NM_001369428.1 and 5 more transcripts); c.259C>T, p.Arg87Trp (NM_001300908.2); c.910C>T, p.Arg304Trp (NM_001300909.2); c.979C>T, p.Arg327Trp (NM_001363566.2, NM_001369426.1, NM_001369427.1 and 1 more transcripts); c.766C>T, p.Arg256Trp (NM_001369425.1); short protein forms R155W, R256W, R304W, R327W, R87W.
Identifiers: ClinVar variation 3046409 (VCV003046409.2), dbSNP rs1291554276, ClinGen allele CA381604685.